The following is an entry in ClinVar:

NM_001002295.2(GATA3):c.629G>A (p.Gly210Glu)

Gene: GATA3 (GATA binding protein 3; plus strand). Cytogenetic location: 10p14.
Variant type: single nucleotide variant.
Coding change: c.629G>A on transcript NM_001002295.2 (MANE Select); coding-DNA position 629, G replaced by A.
Protein change: p.Gly210Glu; replaces glycine 210 with glutamic acid.
Molecular consequence: missense variant.
Genome position (GRCh38, 1-based): chr10:8,058,692, G>A. VCF-style: chr10-8058692-G-A. GRCh37 (hg19) VCF-style: chr10-8100655-G-A.
Other names: c.629G>A, p.Gly210Glu (NM_002051.3); short protein forms G210E.
Identifiers: ClinVar variation 2629775 (VCV002629775.1), dbSNP rs1832693976, ClinGen allele CA375970036.

ClinVar aggregate classification (germline): Uncertain significance (1 of 4 stars; one submission).

Conditions:
GATA3-related disorder. Also called: GATA3-related condition.

gnomAD v4.1: 4 of 1,613,096 alleles (0.00025%); highest among the groups gnomAD compares: Non-Finnish European, 0.00034%; no homozygotes.

Submission:

PreventionGenetics, part of Exact Sciences
Classification: Uncertain significance for GATA3-related condition. Last evaluated: 2023-01-14. Review status: criteria provided, single submitter. Criteria: ACMG Guidelines, 2015. Collection method: clinical testing. Allele origin: germline.
Comment: The GATA3 c.629G>A variant is predicted to result in the amino acid substitution p.Gly210Glu. To our knowledge, this variant has not been reported in the literature or in a large population database, indicating this variant is rare. At this time, the clinical significance of this variant is uncertain due to the absence of conclusive functional and genetic evidence.